The following is an entry in ClinVar:

NM_000455.5(STK11):c.852C>T (p.Asp284=)

Gene: STK11 (serine/threonine kinase 11; plus strand). Cytogenetic location: 19p13.3.
Variant type: single nucleotide variant.
Coding change: c.852C>T on transcript NM_000455.5 (MANE Select); coding-DNA position 852, C replaced by T.
Protein change: p.Asp284=; no amino-acid change (aspartic acid 284 retained).
Molecular consequence: synonymous variant.
Genome position (GRCh38, 1-based): chr19:1,221,330, C>T. VCF-style: chr19-1221330-C-T. GRCh37 (hg19) VCF-style: chr19-1221329-C-T.
Other names: c.852C>T (NM_000455.4).
Identifiers: ClinVar variation 1106152 (VCV001106152.12), dbSNP rs2145427244, ClinGen allele CA504707339.
Genomic context (GRCh38, chr19:1,221,330, plus strand): 5'-TGAGAACATCGGGAAGGGGAGCTACGCCATCCCGGGCGACTGTGGCCCCCCGCTCTCTGA[C>T]CTGCTGAAAGGTGGGAGCCTCATCCCTCTGCCCGCAGCCCCAGGGAGGCGGGGCTTTTGT-3'
Protein context (NP_000446.1, residues 274-294): IPGDCGPPLS[Asp284=]LLKGMLEYEP

ClinVar aggregate classification (germline): Conflicting classifications of pathogenicity. Review status: criteria provided, conflicting classifications (1 of 4 stars). 5 submissions from 5 submitters: Uncertain significance (1); Benign (1); Likely benign (3). Last evaluated 2025-09-08.

Conditions:
Hereditary cancer-predisposing syndrome. Also called: Hereditary neoplastic syndrome; Tumor predisposition; Neoplastic Syndromes, Hereditary; Hereditary Cancer Syndrome. Identifiers: Orphanet 140162, MedGen C0027672, MeSH D009386, MONDO:0015356.
Peutz-Jeghers syndrome (PJS). Also called: POLYPOSIS, HAMARTOMATOUS INTESTINAL; POLYPS-AND-SPOTS SYNDROME; Peutz-Jeghers polyposis; Periorificial lentiginosis syndrome. Identifiers: Orphanet 2869, MedGen C0031269, MeSH D010580, MONDO:0008280, OMIM 175200.

Submissions (5):

Color Diagnostics, LLC DBA Color Health
Classification: Likely benign for Hereditary cancer-predisposing syndrome. Last evaluated: 2025-09-08. Review status: criteria provided, single submitter. Criteria: ACMG Guidelines, 2015. Collection method: clinical testing. Allele origin: germline.

Myriad Genetics, Inc.
Classification: Benign for Peutz-Jeghers syndrome. Last evaluated: 2025-03-27. Review status: criteria provided, single submitter. Criteria: Myriad Autosomal Dominant, Autosomal Recessive and X-Linked Classification Criteria (2023). Collection method: clinical testing. Allele origin: unknown.
Comment: This variant is considered benign. This variant is a silent/synonymous amino acid change and it is not expected to impact splicing.

Labcorp Genetics (formerly Invitae), Labcorp
Classification: Likely benign for Peutz-Jeghers syndrome. Last evaluated: 2023-11-28. Review status: criteria provided, single submitter. Criteria: Invitae Variant Classification Sherloc (09022015). Collection method: clinical testing. Allele origin: germline.

Ambry Genetics
Classification: Likely benign for Hereditary cancer-predisposing syndrome. Last evaluated: 2023-11-15. Review status: criteria provided, single submitter. Criteria: Ambry Variant Classification Scheme 2023. Collection method: clinical testing. Allele origin: germline.

GeneDx
Classification: Uncertain significance. Last evaluated: 2023-10-23. Review status: criteria provided, single submitter. Criteria: GeneDx Variant Classification Process June 2021. Collection method: clinical testing. Allele origin: germline. Affected: yes.
Comment: Not observed at significant frequency in large population cohorts (gnomAD); In silico analysis supports that this variant does not alter splicing; Has not been previously published as pathogenic or benign to our knowledge